The following is an entry in ClinVar:

ClinVar aggregate classification (germline): Likely benign. Review status: criteria provided, multiple submitters, no conflicts (2 of 4 stars). 3 submissions from 3 submitters: Likely benign (3). Last evaluated 2025-09-01.

gnomAD v4.1: 41 of 1,613,812 alleles (0.0025%); highest among the groups gnomAD compares: Admixed American, 0.062%; no homozygotes.

Submissions (3):

CeGaT Center for Human Genetics Tuebingen
Classification: Likely benign. Last evaluated: 2025-09-01. Review status: criteria provided, single submitter. Criteria: CeGaT Center For Human Genetics Tuebingen Variant Classification Criteria Version 2. Collection method: clinical testing. Allele origin: germline. Affected: yes. Observed: 1 variant allele.
Comment: CPAP: BP4, BP7

Labcorp Genetics (formerly Invitae), Labcorp
Classification: Likely benign. Last evaluated: 2025-04-16. Review status: criteria provided, single submitter. Criteria: Invitae Variant Classification Sherloc (09022015). Collection method: clinical testing. Allele origin: germline.

Blueprint Genetics
Classification: Likely benign. Last evaluated: 2021-10-30. Review status: criteria provided, single submitter. Criteria: ACMG Guidelines, 2015. Collection method: clinical testing. Allele origin: germline.

NM_018451.5(CPAP):c.3189C>G (p.Leu1063=)

Gene: CPAP (centrosome assembly and centriole elongation protein; minus strand). Cytogenetic location: 13q12.12.
Variant type: single nucleotide variant.
Coding change: c.3189C>G on transcript NM_018451.5 (MANE Select); coding-DNA position 3189, C replaced by G.
Protein change: p.Leu1063=; no amino-acid change (leucine 1063 retained).
Molecular consequence: synonymous variant. On other transcripts: non-coding transcript variant (2).
Genome position (GRCh38, 1-based): chr13:24,892,670, G>C on the plus strand (C>G on the coding strand, the complement: CPAP is on the minus strand). VCF-style: chr13-24892670-G-C. GRCh37 (hg19) VCF-style: chr13-25466808-G-C.
Identifiers: ClinVar variation 1561534 (VCV001561534.16), dbSNP rs760735664, ClinGen allele CA6919394.